The following is an entry in ClinVar:

ClinVar aggregate classification (germline): Likely pathogenic (1 of 4 stars; one submission).

Conditions:
Autosomal recessive congenital ichthyosis 10 (ARCI10). Identifiers: Orphanet 79394, MedGen C3554355, MONDO:0014011, OMIM 615024.

Submission:

Juno Genomics, Hangzhou Juno Genomics, Inc
Classification: Likely pathogenic for Autosomal recessive congenital ichthyosis 10. Review status: criteria provided, single submitter. Criteria: ACMG Guidelines, 2015. Collection method: clinical testing. Allele origin: germline. Affected: yes.
Comment: Absent from controls (or at extremely low frequency if recessive) in Genome Aggregation Database, Exome Sequencing Project, 1000 Genomes Project, or Exome Aggregation Consortium.;Null variant in a gene where loss of function (LOF) is a known mechanism of disease.

NM_001374623.1(PNPLA1):c.715-2A>C

Gene: PNPLA1 (patatin like domain 1, omega-hydroxyceramide transacylase; plus strand). Cytogenetic location: 6p21.31.
Variant type: single nucleotide variant.
Coding change: c.715-2A>C on transcript NM_001374623.1 (MANE Select); the canonical splice acceptor site of the intron before coding-DNA position 715, A replaced by C.
Molecular consequence: splice acceptor variant.
Genome position (GRCh38, 1-based): chr6:36,295,362, A>C. VCF-style: chr6-36295362-A-C. GRCh37 (hg19) VCF-style: chr6-36263139-A-C.
Other names: c.457-2A>C (NM_001145716.2); c.430-2A>C (NM_173676.2); c.715-2A>C (NM_001145717.1).
Identifiers: ClinVar variation 3392516 (VCV003392516.2).